The following is an entry in ClinVar:

NM_001267550.2(TTN):c.24928T>A (p.Tyr8310Asn)

Gene: TTN (titin; minus strand). Cytogenetic location: 2q31.2.
Variant type: single nucleotide variant.
Coding change: c.24928T>A on transcript NM_001267550.2 (MANE Select); coding-DNA position 24928, T replaced by A.
Protein change: p.Tyr8310Asn; replaces tyrosine 8310 with asparagine.
Molecular consequence: missense variant. On other transcripts: intron variant (3).
Genome position (GRCh38, 1-based): chr2:178,718,078, A>T on the plus strand (T>A on the coding strand, the complement: TTN is on the minus strand). VCF-style: chr2-178718078-A-T. GRCh37 (hg19) VCF-style: chr2-179582805-A-T.
Other names: p.Y7993N:TAT>AAT; c.23977T>A, p.Tyr7993Asn (NM_001256850.1); c.21196T>A, p.Tyr7066Asn (NM_133378.4); c.13282+20004T>A (NM_003319.4); c.13858+20004T>A (NM_133437.4); c.13657+20004T>A (NM_133432.3); short protein forms Y8310N, Y7066N, Y7993N.
Identifiers: ClinVar variation 46744 (VCV000046744.7), dbSNP rs397517511, ClinGen allele CA139092.
Genomic context (GRCh38, chr2:178,718,078, plus strand): 5'-CACTGTGATCCACTTTGTTGATTACTAAGGAAGCAACGTTATTTTTGAATTGCATTTTAT[A>T]TGCAGGAGCTGATCGTAGCTTTGTGTGTTCTTTATACCAAGAAATTCTAATTTCTGGAGT-3'
Protein context (NP_001254479.2, residues 8300-8320): EHTKLRSAPA[Tyr8310Asn]KMQFKNNVAS

ClinVar aggregate classification (germline): Uncertain significance. Review status: criteria provided, multiple submitters, no conflicts (2 of 4 stars). 3 submissions from 3 submitters: Uncertain significance (3). Last evaluated 2021-08-25.

Conditions:
Hypertrophic cardiomyopathy 9. Also called: Familial hypertrophic cardiomyopathy 9. Identifiers: MedGen C1861065, MONDO:0013412, OMIM 613765.
Tibial muscular dystrophy (TMD). Also called: Tibial muscular dystrophy, tardive; UDD MYOPATHY; Udd Distal Myopathy – Tibial Muscular Dystrophy. Identifiers: Orphanet 609, MedGen C1838244, MONDO:0010870, OMIM 600334.
Myopathy, myofibrillar, 9, with early respiratory failure (MFM9). Also called: MYOPATHY, PROXIMAL, WITH EARLY RESPIRATORY MUSCLE INVOLVEMENT; Myopathy, distal, with early respiratory failure, autosomal dominant; Hereditary myopathy with early respiratory failure; EDSTROM MYOPATHY. Identifiers: Orphanet 178464, Orphanet 34521, MedGen C1863599, MONDO:0011362, OMIM 603689.
Early-onset myopathy with fatal cardiomyopathy (CMYO5). Also called: CONGENITAL MYOPATHY 5 WITH CARDIOMYOPATHY; Salih Myopathy. Identifiers: Orphanet 289377, MedGen C2673677, MONDO:0012714, OMIM 611705. Disease mechanism: loss of function.
Dilated cardiomyopathy 1G (CMD1G). Identifiers: Orphanet 154, MedGen C1858763, MONDO:0011400, OMIM 604145.
Autosomal recessive limb-girdle muscular dystrophy type 2J (LGMDR10). Also called: Limb-girdle muscular dystrophy, type 2J; MUSCULAR DYSTROPHY, LIMB-GIRDLE, AUTOSOMAL RECESSIVE 10. Identifiers: Orphanet 140922, MedGen C1837342, MONDO:0012127, OMIM 608807.

Allele frequency attached by ClinVar (database versions not stated): gnomAD 0.00001 and 0.00002; gnomAD exomes 0.00001; ExAC 0.00002; TOPMed 0.00002.
gnomAD v4.1: 7 of 1,613,532 alleles (0.00043%); highest among the groups gnomAD compares: East Asian, 0.011%; no homozygotes.

Submissions (3):

Fulgent Genetics
Classification: Uncertain significance for Tibial muscular dystrophy; Myopathy, myofibrillar, 9, with early respiratory failure; Dilated cardiomyopathy 1G; Autosomal recessive limb-girdle muscular dystrophy type 2J; Early-onset myopathy with fatal cardiomyopathy; Hypertrophic cardiomyopathy 9. Last evaluated: 2021-08-25. Review status: criteria provided, single submitter. Criteria: ACMG Guidelines, 2015. Collection method: clinical testing. Allele origin: unknown.

GeneDx
Classification: Uncertain significance. Last evaluated: 2014-07-08. Review status: criteria provided, single submitter. Criteria: GeneDx Variant Classification (06012015). Collection method: clinical testing. Allele origin: germline. Affected: yes.
Comment: Missense variants in the TTN gene are considered 'unclassified' if they are not previously reported in the literature and do not have >1% frequency in the population to be considered a polymorphism. Research indicates that truncating mutations in the TTN gene are expected to account for approximately 25% of familial and 18% of sporadic idiopathic DCM; however, truncating variants in the TTN gene have been reported in approximately 3% of reported control alleles. There has been little investigation into non-truncating variants. (Herman D et al. Truncations of titin causing dilated cardiomyopathy. N Eng J Med 366:619-628, 2012) The variant is found in CARDIOMYOPATHY panel(s).

Laboratory for Molecular Medicine, Mass General Brigham Personalized Medicine
Classification: Uncertain significance. Last evaluated: 2012-10-17. Review status: criteria provided, single submitter. Criteria: LMM Criteria. Collection method: clinical testing. Allele origin: germline. Observed: 1 variant allele.
Comment: The Tyr7066Asn variant in TTN has not been reported in the literature nor previo usly identified by our laboratory. Computational analyses (biochemical amino aci d properties, conservation, AlignGVGD, PolyPhen2, and SIFT) do not provide stron g support for or against an impact to the protein. Additional information is nee ded to fully assess the clinical significance of this variant.